The following is an entry in ClinVar:

NM_002900.3(RBP3):c.2620G>A (p.Gly874Arg)

Gene: RBP3 (retinol binding protein 3; plus strand). Cytogenetic location: 10q11.22.
Variant type: single nucleotide variant.
Coding change: c.2620G>A on transcript NM_002900.3 (MANE Select); coding-DNA position 2620, G replaced by A.
Protein change: p.Gly874Arg; replaces glycine 874 with arginine.
Molecular consequence: missense variant.
Genome position (GRCh38, 1-based): chr10:47,351,104, G>A. VCF-style: chr10-47351104-G-A. GRCh37 (hg19) VCF-style: chr10-48388258-C-T.
Other names: short protein forms G874R.
Identifiers: ClinVar variation 1024555 (VCV001024555.8), dbSNP rs782402127, ClinGen allele CA5487233.

ClinVar aggregate classification (germline): Uncertain significance. Review status: criteria provided, multiple submitters, no conflicts (2 of 4 stars). 2 submissions from 2 submitters: Uncertain significance (2). Last evaluated 2024-07-11.

Allele frequency attached by ClinVar (database versions not stated): gnomAD 0.00001; ExAC 0.00002; gnomAD exomes 0.00002 and 0.00003; TOPMed 0.00002.
gnomAD v4.1: 48 of 1,612,602 alleles (0.003%); highest among the groups gnomAD compares: South Asian, 0.0044%; no homozygotes.

Submissions (2):

Blueprint Genetics
Classification: Uncertain significance. Last evaluated: 2024-07-11. Review status: criteria provided, single submitter. Criteria: ACMG Guidelines, 2015. Collection method: clinical testing. Allele origin: germline.

Labcorp Genetics (formerly Invitae), Labcorp
Classification: Uncertain significance. Last evaluated: 2023-10-13. Review status: criteria provided, single submitter. Criteria: Invitae Variant Classification Sherloc (09022015). Collection method: clinical testing. Allele origin: germline.
Comment: This sequence change replaces glycine, which is neutral and non-polar, with arginine, which is basic and polar, at codon 874 of the RBP3 protein (p.Gly874Arg). This variant is present in population databases (rs782402127, gnomAD 0.007%). This variant has not been reported in the literature in individuals affected with RBP3-related conditions. ClinVar contains an entry for this variant (Variation ID: 1024555). An algorithm developed to predict the effect of missense changes on protein structure and function (PolyPhen-2) suggests that this variant is likely to be disruptive. In summary, the available evidence is currently insufficient to determine the role of this variant in disease. Therefore, it has been classified as a Variant of Uncertain Significance.